The following is an entry in ClinVar:

NM_001388492.1(HTT):c.2758G>A (p.Asp920Asn)

Gene: HTT (huntingtin; plus strand). Cytogenetic location: 4p16.3.
Variant type: single nucleotide variant.
Coding change: c.2758G>A on transcript NM_001388492.1 (MANE Select); coding-DNA position 2758, G replaced by A.
Protein change: p.Asp920Asn; replaces aspartic acid 920 with asparagine.
Molecular consequence: missense variant.
Genome position (GRCh38, 1-based): chr4:3,136,286, G>A. VCF-style: chr4-3136286-G-A. GRCh37 (hg19) VCF-style: chr4-3138013-G-A.
Other names: c.2764G>A, p.Asp922Asn (NM_002111.8); short protein forms D920N, D922N.
Identifiers: ClinVar variation 1298952 (VCV001298952.41), dbSNP rs80100842, ClinGen allele CA2823932.

ClinVar aggregate classification (germline): Uncertain significance. Review status: criteria provided, multiple submitters, no conflicts (2 of 4 stars). 3 submissions from 3 submitters: Uncertain significance (3). Last evaluated 2024-08-01.

Conditions:
Huntington disease (HD). Also called: HUNTINGTON CHOREA; Huntington's chorea; Huntington's disease. Identifiers: Orphanet 248111, Orphanet 399, MedGen C0020179, MONDO:0007739, OMIM 143100.
Lopes-Maciel-Rodan syndrome (LOMARS). Identifiers: MedGen C4479491, MONDO:0054573, OMIM 617435.

Allele frequency attached by ClinVar (database versions not stated): 1000 Genomes Project 30x 0.00016; 1000 Genomes Project 0.00020; ExAC 0.00031; gnomAD exomes 0.00034 and 0.00071; ESP Exome Variant Server 0.00058; TOPMed 0.00046; gnomAD 0.00051 and 0.00053.
gnomAD v4.1: 1,085 of 1,611,710 alleles (0.067%); highest among the groups gnomAD compares: Non-Finnish European, 0.089%; no homozygotes.

Submissions (3):

CeGaT Center for Human Genetics Tuebingen
Classification: Uncertain significance. Last evaluated: 2024-08-01. Review status: criteria provided, single submitter. Criteria: CeGaT Center For Human Genetics Tuebingen Variant Classification Criteria Version 2. Collection method: clinical testing. Allele origin: germline. Affected: yes. Observed: 2 variant alleles.

Labcorp Genetics (formerly Invitae), Labcorp
Classification: Uncertain significance. Last evaluated: 2024-05-29. Review status: criteria provided, single submitter. Criteria: Invitae Variant Classification Sherloc (09022015). Collection method: clinical testing. Allele origin: germline.
Comment: This sequence change replaces aspartic acid, which is acidic and polar, with asparagine, which is neutral and polar, at codon 922 of the HTT protein (p.Asp922Asn). This variant is present in population databases (rs80100842, gnomAD 0.08%). This variant has not been reported in the literature in individuals affected with HTT-related conditions. ClinVar contains an entry for this variant (Variation ID: 1298952). Experimental studies and prediction algorithms are not available or were not evaluated, and the functional significance of this variant is currently unknown. In summary, the available evidence is currently insufficient to determine the role of this variant in disease. Therefore, it has been classified as a Variant of Uncertain Significance.

Fulgent Genetics
Classification: Uncertain significance for Huntington disease; Lopes-Maciel-Rodan syndrome. Last evaluated: 2024-03-12. Review status: criteria provided, single submitter. Criteria: ACMG Guidelines, 2015. Collection method: clinical testing. Allele origin: germline.